The following is an entry in ClinVar:

ClinVar aggregate classification (germline): Uncertain significance. Review status: criteria provided, multiple submitters, no conflicts (2 of 4 stars). 2 submissions from 2 submitters: Uncertain significance (2). Last evaluated 2025-01-24.

Conditions:
Cardiovascular phenotype. Identifiers: MedGen CN230736.
RASopathy. Also called: Noonan spectrum disorder; rasopathies. Identifiers: Orphanet 536391, MedGen C5555857, MONDO:0021060.

Allele frequency attached by ClinVar (database versions not stated): gnomAD exomes below 0.00001; TOPMed 0.00001.
gnomAD v4.1: 5 of 1,614,108 alleles (0.00031%); highest among the groups gnomAD compares: Non-Finnish European, 0.00017%; no homozygotes.

Submissions (2):

Ambry Genetics
Classification: Uncertain significance for Cardiovascular phenotype. Last evaluated: 2025-01-24. Review status: criteria provided, single submitter. Criteria: Ambry Variant Classification Scheme 2023. Collection method: clinical testing. Allele origin: germline.
Comment: The p.E770G variant (also known as c.2309A>G), located in coding exon 15 of the CBL gene, results from an A to G substitution at nucleotide position 2309. The glutamic acid at codon 770 is replaced by glycine, an amino acid with similar properties. This amino acid position is conserved. In addition, this alteration is predicted to be tolerated by in silico analysis. Based on the available evidence, the clinical significance of this variant remains unclear.

Labcorp Genetics (formerly Invitae), Labcorp
Classification: Uncertain significance for RASopathy. Last evaluated: 2024-02-23. Review status: criteria provided, single submitter. Criteria: Invitae Variant Classification Sherloc (09022015). Collection method: clinical testing. Allele origin: germline.
Comment: This sequence change replaces glutamic acid, which is acidic and polar, with glycine, which is neutral and non-polar, at codon 770 of the CBL protein (p.Glu770Gly). This variant is not present in population databases (gnomAD no frequency). This variant has not been reported in the literature in individuals affected with CBL-related conditions. ClinVar contains an entry for this variant (Variation ID: 2197850). Advanced modeling of protein sequence and biophysical properties (such as structural, functional, and spatial information, amino acid conservation, physicochemical variation, residue mobility, and thermodynamic stability) performed at Invitae indicates that this missense variant is not expected to disrupt CBL protein function with a negative predictive value of 95%. In summary, the available evidence is currently insufficient to determine the role of this variant in disease. Therefore, it has been classified as a Variant of Uncertain Significance.

NM_005188.4(CBL):c.2309A>G (p.Glu770Gly)

Gene: CBL (Cbl proto-oncogene; plus strand). Cytogenetic location: 11q23.3.
Variant type: single nucleotide variant.
Coding change: c.2309A>G on transcript NM_005188.4 (MANE Select); coding-DNA position 2309, A replaced by G.
Protein change: p.Glu770Gly; replaces glutamic acid 770 with glycine.
Molecular consequence: missense variant.
Genome position (GRCh38, 1-based): chr11:119,298,415, A>G. VCF-style: chr11-119298415-A-G. GRCh37 (hg19) VCF-style: chr11-119169125-A-G.
Other names: c.2309A>G (NM_005188.2); short protein forms E770G.
Identifiers: ClinVar variation 2197850 (VCV002197850.5), dbSNP rs1950077955, ClinGen allele CA382929323.